The following is an entry in ClinVar:

NM_000545.5(HNF1A):c.-347G>A

Gene: HNF1A (HNF1 homeobox A; plus strand). Cytogenetic location: 12q24.31.
Variant type: single nucleotide variant.
Coding change: c.-347G>A on transcript NM_000545.5; 347 bases upstream of the start codon, G replaced by A.
Genome position (GRCh38, 1-based): chr12:120,978,422, G>A. VCF-style: chr12-120978422-G-A. GRCh37 (hg19) VCF-style: chr12-121416225-G-A.
Identifiers: ClinVar variation 389514 (VCV000389514.4), dbSNP rs76729898, ClinGen allele CA16606382.
Genomic context (GRCh38, chr12:120,978,422, plus strand): 5'-CCAGCTGCTCAGGGCCCCTCACCTGCGCCTCCCCCACCCTCCCCTCTGCCCACTCCCATC[G>A]CAGGCCATAGCTCCCTGTCCCTCTCCGCTGCCATGAGGCCTGCACTTTGCAGGGCTGAAG-3'

ClinVar aggregate classification (germline): Likely benign. Review status: criteria provided, multiple submitters, no conflicts (2 of 4 stars). 2 submissions from 2 submitters: Likely benign (2). Last evaluated 2016-10-05.

Conditions:
Maturity-onset diabetes of the young (MODY). Also called: Maturity onset diabetes mellitus in young. Identifiers: Orphanet 552, MedGen C0342276, MONDO:0018911, HP:0004904.

Allele frequency attached by ClinVar (database versions not stated): TOPMed 0.00297; 1000 Genomes Project 0.00379; gnomAD 0.00221 and 0.00231; 1000 Genomes Project 30x 0.00328.

Submissions (2):

GeneDx
Classification: Likely benign. Last evaluated: 2016-10-05. Review status: criteria provided, single submitter. Criteria: GeneDx Variant Classification (06012015). Collection method: clinical testing. Allele origin: germline. Affected: yes.
Comment: This variant is considered likely benign or benign based on one or more of the following criteria: it is a conservative change, it occurs at a poorly conserved position in the protein, it is predicted to be benign by multiple in silico algorithms, and/or has population frequency not consistent with disease.

Clinical Genomics, Uppaluri K&H Personalized Medicine Clinic
Classification: Likely benign for Maturity-onset diabetes of the young. Review status: criteria provided, single submitter. Criteria: K & H Uppaluri Personalized Medicine Clinic Variant Classification & Assertion Criteria_Updated V.1. Collection method: research. Allele origin: unknown. Inheritance: Autosomal dominant inheritance.
Comment: Mutations in HNF1A gene can predispose to MODY3. It is associated with both micro and macrovascular complications of diabetes, especially cardiovascular complications. Associated with glucosuria. May respond well to sulfonylureas. However, more evidence is required to confer the association of this particular variant rs76729898 with MODY3.

Literature cited by the submitters: PubMed 31517624 (cited by Clinical Genomics, Uppaluri K&H Personalized Medicine Clinic); PubMed 32395877 (cited by Clinical Genomics, Uppaluri K&H Personalized Medicine Clinic); PubMed 35328643 (cited by Clinical Genomics, Uppaluri K&H Personalized Medicine Clinic); PubMed 35673428 (cited by Clinical Genomics, Uppaluri K&H Personalized Medicine Clinic).